The following is an entry in ClinVar:

NM_001369.3(DNAH5):c.2306C>T (p.Ala769Val)

Genes: DNAH5-AS1 (DNAH5 antisense RNA 1; plus strand), DNAH5 (dynein axonemal heavy chain 5; minus strand). Cytogenetic location: 5p15.2.
Variant type: single nucleotide variant.
Coding change: c.2306C>T on transcript NM_001369.3 (MANE Select); coding-DNA position 2306, C replaced by T.
Protein change: p.Ala769Val; replaces alanine 769 with valine.
Molecular consequence: missense variant.
Genome position (GRCh38, 1-based): chr5:13,894,775, G>A on the plus strand (C>T on the coding strand, the complement: DNAH5 is on the minus strand). VCF-style: chr5-13894775-G-A. GRCh37 (hg19) VCF-style: chr5-13894884-G-A.
Other names: short protein forms A769V.
Identifiers: ClinVar variation 598310 (VCV000598310.26), dbSNP rs200101760, ClinGen allele CA3204614.

ClinVar aggregate classification (germline): Conflicting classifications of pathogenicity. Review status: criteria provided, conflicting classifications (1 of 4 stars). 6 submissions from 6 submitters: Uncertain significance (4); Likely benign (1). 1 of the submissions does not count toward it. Last evaluated 2026-01-16.

Conditions:
Primary ciliary dyskinesia. Also called: Ciliary dyskinesia. Identifiers: Orphanet 244, MedGen C0008780, MONDO:0016575, HP:0012265.
Primary ciliary dyskinesia 3. Identifiers: Orphanet 244, MedGen C1837618, MONDO:0012085, OMIM 608644.

Allele frequency attached by ClinVar (database versions not stated): gnomAD exomes 0.00014 and 0.00010; TOPMed 0.00016; ExAC 0.00008; ESP Exome Variant Server 0.00008; gnomAD 0.00012 and 0.00013.
gnomAD v4.1: 170 of 1,613,944 alleles (0.011%); highest among the groups gnomAD compares: Admixed American, 0.055%; no homozygotes.

Submissions (6):

Labcorp Genetics (formerly Invitae), Labcorp
Classification: Likely benign for Primary ciliary dyskinesia. Last evaluated: 2026-01-16. Review status: criteria provided, single submitter. Criteria: Invitae Variant Classification Sherloc (09022015). Collection method: clinical testing. Allele origin: germline.

GeneDx
Classification: Uncertain significance. Last evaluated: 2021-03-16. Review status: criteria provided, single submitter. Criteria: GeneDx Variant Classification Process June 2021. Collection method: clinical testing. Allele origin: germline. Affected: yes.
Comment: Has not been previously published as pathogenic or benign to our knowledge; In silico analysis supports that this missense variant does not alter protein structure/function

Ambry Genetics
Classification: Uncertain significance for Primary ciliary dyskinesia. Last evaluated: 2019-11-13. Review status: criteria provided, single submitter. Criteria: Ambry Variant Classification Scheme 2023. Collection method: clinical testing. Allele origin: germline.
Comment: The p.A769V variant (also known as c.2306C>T), located in coding exon 16 of the DNAH5 gene, results from a C to T substitution at nucleotide position 2306. The alanine at codon 769 is replaced by valine, an amino acid with similar properties. This amino acid position is poorly conserved in available vertebrate species. In addition, this alteration is predicted to be tolerated by in silico analysis. Since supporting evidence is limited at this time, the clinical significance of this alteration remains unclear.

Eurofins Ntd Llc (ga)
Classification: Uncertain significance. Last evaluated: 2018-08-07. Review status: criteria provided, single submitter. Criteria: EGL ClinVar v180209 classification definitions. Collection method: clinical testing. Allele origin: germline. Observed: 1 variant allele, 1 heterozygote.

Illumina Laboratory Services, Illumina
Classification: Uncertain significance for Primary ciliary dyskinesia 3. Last evaluated: 2018-01-12. Review status: criteria provided, single submitter. Criteria: ICSL Variant Classification Criteria 13 December 2019. Collection method: clinical testing. Allele origin: germline.

Natera, Inc.
Classification: Uncertain significance for Primary ciliary dyskinesia. Last evaluated: 2019-10-28. Review status: no assertion criteria provided. Collection method: clinical testing. Allele origin: germline. Not counted in ClinVar's aggregate classification.